The following is an entry in ClinVar:

ClinVar aggregate classification (germline): Uncertain significance (1 of 4 stars; one submission).

gnomAD v4.1: 3 of 1,613,900 alleles (0.00019%); highest among the groups gnomAD compares: Admixed American, 0.005%; no homozygotes.

Submission:

GeneDx
Classification: Uncertain significance. Last evaluated: 2024-08-14. Review status: criteria provided, single submitter. Criteria: GeneDx Variant Classification Process June 2021. Collection method: clinical testing. Allele origin: germline. Affected: yes.
Comment: Not observed at significant frequency in large population cohorts (gnomAD); Missense variant in a gene in which most reported pathogenic variants are truncating/loss of function; Has not been previously published as pathogenic or benign to our knowledge

NM_001267550.2(TTN):c.90107A>G (p.Asp30036Gly)

Genes: TTN (titin; minus strand), TTN-AS1 (TTN antisense RNA 1; plus strand). Cytogenetic location: 2q31.2.
Variant type: single nucleotide variant.
Coding change: c.90107A>G on transcript NM_001267550.2 (MANE Select); coding-DNA position 90107, A replaced by G.
Protein change: p.Asp30036Gly; replaces aspartic acid 30036 with glycine.
Molecular consequence: missense variant.
Genome position (GRCh38, 1-based): chr2:178,552,793, T>C on the plus strand (A>G on the coding strand, the complement: TTN is on the minus strand). VCF-style: chr2-178552793-T-C. GRCh37 (hg19) VCF-style: chr2-179417520-T-C.
Other names: c.85184A>G, p.Asp28395Gly (NM_001256850.1); c.62912A>G, p.Asp20971Gly (NM_003319.4); c.82403A>G, p.Asp27468Gly (NM_133378.4); c.63287A>G, p.Asp21096Gly (NM_133432.3); c.63488A>G, p.Asp21163Gly (NM_133437.4); short protein forms D28395G, D30036G, D20971G, D21096G, D27468G, D21163G.
Identifiers: ClinVar variation 3731143 (VCV003731143.1).